The following is an entry in ClinVar:

ClinVar aggregate classification (germline): Uncertain significance. Review status: criteria provided, multiple submitters, no conflicts (2 of 4 stars). 3 submissions from 3 submitters: Uncertain significance (3). Last evaluated 2026-01-31.

Conditions:
Inborn genetic diseases. Identifiers: MedGen C0950123, MeSH D030342.

Allele frequency attached by ClinVar (database versions not stated): ESP Exome Variant Server 0.00008; ExAC 0.00009; gnomAD 0.00010; TOPMed 0.00011; gnomAD exomes 0.00017.

Submissions (3):

GeneDx
Classification: Uncertain significance. Last evaluated: 2026-01-31. Review status: criteria provided, single submitter. Criteria: GeneDx Variant Classification Process June 2021. Collection method: clinical testing. Allele origin: germline.
Comment: In silico analysis suggests that this missense variant does not alter protein structure/function; Has not been previously published as pathogenic or benign to our knowledge

Ambry Genetics
Classification: Uncertain significance for Inborn genetic diseases. Last evaluated: 2025-12-04. Review status: criteria provided, single submitter. Criteria: Ambry Variant Classification Scheme 2023. Collection method: clinical testing. Allele origin: germline.
Comment: The c.1067G>T (p.G356V) alteration is located in exon 10 (coding exon 9) of the SMG9 gene. This alteration results from a G to T substitution at nucleotide position 1067, causing the glycine (G) at amino acid position 356 to be replaced by a valine (V). Based on data from gnomAD, the T allele has an overall frequency of 0.011% (23/203194) total alleles studied. The highest observed frequency was 0.025% (21/84802) of European (non-Finnish) alleles. Based on insufficient or conflicting evidence, the clinical significance of this alteration remains unclear.

Blueprint Genetics
Classification: Uncertain significance. Last evaluated: 2024-10-08. Review status: criteria provided, single submitter. Criteria: ACMG Guidelines, 2015. Collection method: clinical testing. Allele origin: germline.

NM_019108.4(SMG9):c.1067G>T (p.Gly356Val)

Gene: SMG9 (SMG9 nonsense mediated mRNA decay factor; minus strand). Cytogenetic location: 19q13.31.
Variant type: single nucleotide variant.
Coding change: c.1067G>T on transcript NM_019108.4 (MANE Select); coding-DNA position 1067, G replaced by T.
Protein change: p.Gly356Val; replaces glycine 356 with valine.
Molecular consequence: missense variant.
Genome position (GRCh38, 1-based): chr19:43,734,424, C>A on the plus strand (G>T on the coding strand, the complement: SMG9 is on the minus strand). VCF-style: chr19-43734424-C-A. GRCh37 (hg19) VCF-style: chr19-44238576-C-A.
Other names: short protein forms G356V.
Identifiers: ClinVar variation 2363605 (VCV002363605.6), dbSNP rs139642454, ClinGen allele CA9491281.